The following is an entry in ClinVar:

ClinVar aggregate classification (germline): Uncertain significance (1 of 4 stars; one submission).

Conditions:
Short-rib thoracic dysplasia 6 with or without polydactyly (SRTD6). Also called: Majewski Syndrome; POLYDACTYLY WITH NEONATAL CHONDRODYSTROPHY, TYPE II; SHORT-RIB THORACIC DYSPLASIA 6 WITH POLYDACTYLY; SHORT-RIB THORACIC DYSPLASIA 6 WITHOUT POLYDACTYLY; SHORT RIB-POLYDACTYLY SYNDROME, TYPE IIA. Identifiers: MedGen C0024507, MONDO:0009894, OMIM 263520.

Allele frequency attached by ClinVar (database versions not stated): gnomAD exomes below 0.00001.
gnomAD v4.1: 1 of 1,612,142 alleles (0.000062%); highest among the groups gnomAD compares: Non-Finnish European, 0.000085%; no homozygotes.

Submission:

Labcorp Genetics (formerly Invitae), Labcorp
Classification: Uncertain significance for Short-rib thoracic dysplasia 6 with or without polydactyly. Last evaluated: 2022-03-22. Review status: criteria provided, single submitter. Criteria: Invitae Variant Classification Sherloc (09022015). Collection method: clinical testing. Allele origin: germline.
Comment: This sequence change replaces glutamine, which is neutral and polar, with arginine, which is basic and polar, at codon 65 of the NEK1 protein (p.Gln65Arg). This variant is not present in population databases (gnomAD no frequency). In summary, the available evidence is currently insufficient to determine the role of this variant in disease. Therefore, it has been classified as a Variant of Uncertain Significance. Algorithms developed to predict the effect of sequence changes on RNA splicing suggest that this variant may create or strengthen a splice site. Advanced modeling of protein sequence and biophysical properties (such as structural, functional, and spatial information, amino acid conservation, physicochemical variation, residue mobility, and thermodynamic stability) performed at Invitae indicates that this missense variant is not expected to disrupt NEK1 protein function. This variant has not been reported in the literature in individuals affected with NEK1-related conditions.

NM_001199397.3(NEK1):c.194A>G (p.Gln65Arg)

Gene: NEK1 (NIMA related kinase 1; minus strand). Cytogenetic location: 4q33.
Variant type: single nucleotide variant.
Coding change: c.194A>G on transcript NM_001199397.3 (MANE Select); coding-DNA position 194, A replaced by G.
Protein change: p.Gln65Arg; replaces glutamine 65 with arginine.
Molecular consequence: missense variant. On other transcripts: non-coding transcript variant (2).
Genome position (GRCh38, 1-based): chr4:169,602,028, T>C on the plus strand (A>G on the coding strand, the complement: NEK1 is on the minus strand). VCF-style: chr4-169602028-T-C. GRCh37 (hg19) VCF-style: chr4-170523179-T-C.
Other names: c.194A>G, p.Gln65Arg (NM_001199398.3, NM_001199399.3, NM_001199400.3 and 7 more transcripts); short protein forms Q65R.
Identifiers: ClinVar variation 1495741 (VCV001495741.6), dbSNP rs1770585618, ClinGen allele CA358745402.